The following is an entry in ClinVar:

NM_004364.5(CEBPA):c.748G>A (p.Gly250Ser)

Gene: CEBPA (CCAAT enhancer binding protein alpha; minus strand). Cytogenetic location: 19q13.11.
Variant type: single nucleotide variant.
Coding change: c.748G>A on transcript NM_004364.5 (MANE Select); coding-DNA position 748, G replaced by A.
Protein change: p.Gly250Ser; replaces glycine 250 with serine.
Molecular consequence: missense variant.
Genome position (GRCh38, 1-based): chr19:33,301,667, C>T on the plus strand (G>A on the coding strand, the complement: CEBPA is on the minus strand). VCF-style: chr19-33301667-C-T. GRCh37 (hg19) VCF-style: chr19-33792573-C-T.
Other names: c.391G>A, p.Gly131Ser (NM_001285829.2); c.853G>A, p.Gly285Ser (NM_001287424.2); c.706G>A, p.Gly236Ser (NM_001287435.2); short protein forms G250S, G131S, G236S, G285S.
Identifiers: ClinVar variation 456701 (VCV000456701.9), dbSNP rs1555742056, ClinGen allele CA405274297.

ClinVar aggregate classification (germline): Uncertain significance (1 of 4 stars; one submission).

Conditions:
Acute myeloid leukemia (AML). Also called: Leukemia, acute myeloid, somatic; Leukemia, acute myelogenous, somatic; Acute myeloid leukemia, adult; AML adult; Acute non-lymphocytic leukemia; Acute granulocytic leukemia. Identifiers: Orphanet 519, MedGen C0023467, MeSH D015470, MONDO:0018874, OMIM 601626, HP:0004808. Disease mechanism: Constitutively activated FLT3.

Submission:

Labcorp Genetics (formerly Invitae), Labcorp
Classification: Uncertain significance for Acute myeloid leukemia. Last evaluated: 2017-02-28. Review status: criteria provided, single submitter. Criteria: Invitae Variant Classification Sherloc (09022015). Collection method: clinical testing. Allele origin: germline.
Comment: In summary, this variant is a novel missense change that is not predicted to affect protein function. There is no indication that it causes disease, but the available evidence is currently insufficient to prove that conclusively. Therefore, it has been classified as a Variant of Uncertain Significance. Algorithms developed to predict the effect of missense changes on protein structure and function (SIFT, PolyPhen-2, Align-GVGD) all suggest that this variant is likely to be tolerated, but these predictions have not been confirmed by published functional studies. While this variant is not present in population databases, the frequency information is unreliable, as metrics indicate poor data quality at this position in the ExAC database. This variant has not been reported in the literature in individuals with a CEBPA-related disease. This sequence change replaces glycine with serine at codon 250 of the CEBPA protein (p.Gly250Ser). The glycine residue is moderately conserved and there is a small physicochemical difference between glycine and serine.